The following is an entry in ClinVar:

ClinVar aggregate classification (germline): Pathogenic (1 of 4 stars; one submission).

Conditions:
Hereditary spastic paraplegia 11. Also called: SPASTIC PARAPLEGIA, AUTOSOMAL RECESSIVE, COMPLICATED, WITH THIN CORPUS CALLOSUM; SPASTIC PARAPLEGIA, AUTOSOMAL RECESSIVE, WITH MENTAL IMPAIRMENT AND THIN CORPUS CALLOSUM; Nakamura Osame syndrome; Autosomal recessive hereditary spastic paraplegia, mental impairment, and thin corpus callosum; Spastic paraplegia, mental retardation and thin corpus callosum; Spastic Paraplegia 11. Identifiers: Orphanet 2822, MedGen C1858479, MONDO:0011445, OMIM 604360.

Allele frequency attached by ClinVar (database versions not stated): TOPMed below 0.00001; gnomAD 0.00001.

Submission:

Labcorp Genetics (formerly Invitae), Labcorp
Classification: Pathogenic for Hereditary spastic paraplegia 11. Last evaluated: 2020-03-18. Review status: criteria provided, single submitter. Criteria: Invitae Variant Classification Sherloc (09022015). Collection method: clinical testing. Allele origin: germline.
Comment: This sequence change creates a premature translational stop signal (p.Leu1775Cysfs*63) in the SPG11 gene. It is expected to result in an absent or disrupted protein product. This variant is not present in population databases (ExAC no frequency). This variant has not been reported in the literature in individuals with SPG11-related conditions. Loss-of-function variants in SPG11 are known to be pathogenic (PMID: 19105190, 20110243, 22154821). For these reasons, this variant has been classified as Pathogenic.

Literature cited by the submitters: PubMed 19105190; PubMed 20110243; PubMed 22154821.

NM_025137.4(SPG11):c.5322del (p.Leu1775fs)

Gene: SPG11 (SPG11 vesicle trafficking associated, spatacsin; minus strand). Cytogenetic location: 15q21.1.
Variant type: Deletion.
Coding change: c.5322del on transcript NM_025137.4 (MANE Select); coding-DNA position 5322, one base deleted (G; older notation c.5322delG).
Protein change: p.Leu1775fs; shifts the reading frame from leucine 1775.
Molecular consequence: frameshift variant.
Genome position (GRCh38, 1-based): chr15:44,584,358, C deleted on the plus strand (G on the coding strand, the reverse complement: SPG11 is on the minus strand). VCF-style (leftmost placement, unchanged base first): chr15-44584357-GC-G. GRCh37 (hg19) VCF-style: chr15-44876555-GC-G.
Other names: c.5322del, p.Leu1775fs (NM_001160227.2); short protein forms L1775fs.
Identifiers: ClinVar variation 1074526 (VCV001074526.7), dbSNP rs2082714895, ClinGen allele CA969308758.